The following is an entry in ClinVar:

ClinVar aggregate classification (germline): Uncertain significance (1 of 4 stars; one submission).

Submission:

Labcorp Genetics (formerly Invitae), Labcorp
Classification: Uncertain significance. Last evaluated: 2023-07-07. Review status: criteria provided, single submitter. Criteria: Invitae Variant Classification Sherloc (09022015). Collection method: clinical testing. Allele origin: germline.
Comment: This variant has not been reported in the literature in individuals affected with C2-related conditions. This variant is not present in population databases (gnomAD no frequency). This sequence change falls in intron 12 of the C2 gene. It does not directly change the encoded amino acid sequence of the C2 protein. It affects a nucleotide within the consensus splice site. In summary, the available evidence is currently insufficient to determine the role of this variant in disease. Therefore, it has been classified as a Variant of Uncertain Significance. Variants that disrupt the consensus splice site are a relatively common cause of aberrant splicing (PMID: 17576681, 9536098). Algorithms developed to predict the effect of sequence changes on RNA splicing suggest that this variant may disrupt the consensus splice site. ClinVar contains an entry for this variant (Variation ID: 1497863).

Literature cited by the submitters: PubMed 17576681; PubMed 9536098.

NM_000063.6(C2):c.1567+4A>G

Gene: C2 (complement C2; plus strand). Cytogenetic location: 6p21.33.
Variant type: single nucleotide variant.
Coding change: c.1567+4A>G on transcript NM_000063.6 (MANE Select); 4 bases into the intron after coding-DNA position 1567, A replaced by G.
Molecular consequence: intron variant.
Genome position (GRCh38, 1-based): chr6:31,943,531, A>G. VCF-style: chr6-31943531-A-G. GRCh37 (hg19) VCF-style: chr6-31911308-A-G.
Other names: c.829+4A>G (NM_001282457.2); c.925+4A>G (NM_001178063.3); c.1480+4A>G (NM_001282458.2); c.1171+4A>G (NM_001145903.3).
Identifiers: ClinVar variation 1497863 (VCV001497863.6), dbSNP rs2151771890, ClinGen allele CA2573140250.